The following is an entry in ClinVar:

NC_000019.9:g.(?_11106879)_(11172492_?)dup

Gene: SMARCA4 (SWI/SNF related BAF chromatin remodeling complex subunit ATPase 4; plus strand). Cytogenetic location: 19p13.2.
Variant type: Duplication.
Identifiers: ClinVar variation 1041510 (VCV001041510.5).

ClinVar aggregate classification (germline): Uncertain significance (1 of 4 stars; one submission).

Conditions:
Rhabdoid tumor predisposition syndrome 2 (RTPS2). Identifiers: Orphanet 231108, Orphanet 69077, MedGen C2750074, MONDO:0013224, OMIM 613325.

Submission:

Labcorp Genetics (formerly Invitae), Labcorp
Classification: Uncertain significance for Rhabdoid tumor predisposition syndrome 2. Last evaluated: 2020-08-29. Review status: criteria provided, single submitter. Criteria: Invitae Variant Classification Sherloc (09022015). Collection method: clinical testing. Allele origin: germline.
Comment: This variant results in a copy number gain of the genomic region encompassing exons 10-36 of the SMARCA4 gene. The 5' boundary is likely confined to intron 9. The 3' end of this event is unknown as it extends beyond the assayed region for this gene and therefore may encompass additional genes. As the precise location of this event is unknown, it may be in tandem or it may be located elsewhere in the genome. This variant has not been reported in the literature in individuals with SMARCA4-related conditions. In summary, the available evidence is currently insufficient to determine the role of this variant in disease. Therefore, it has been classified as a Variant of Uncertain Significance.